The following is an entry in ClinVar:

NM_000157.4(GBA1):c.1559_1560delinsCTC (p.Glu520fs)

Genes: GBA1 (glucosylceramidase beta 1; minus strand), LOC106627981 (GBA recombination region; plus strand). Cytogenetic location: 1q22.
Variant type: Indel.
Coding change: c.1559_1560delinsCTC on transcript NM_000157.4 (MANE Select); coding-DNA positions 1559 to 1560, AG replaced by CTC.
Protein change: p.Glu520fs; shifts the reading frame from glutamic acid 520.
Molecular consequence: frameshift variant.
Genome position (GRCh38, 1-based): chr1:155,235,046-155,235,047, CT replaced by GAG on the plus strand (AG replaced by CTC on the coding strand, the reverse complement: GBA1 is on the minus strand). VCF-style: chr1-155235046-CT-GAG. GRCh37 (hg19) VCF-style: chr1-155204837-CT-GAG.
Other names: c.1559_1560delinsCTC, p.Glu520fs (NM_001005741.3, NM_001005742.3); c.1298_1299delinsCTC, p.Glu433fs (NM_001171811.2); c.1412_1413delinsCTC, p.Glu471fs (NM_001171812.2); short protein forms E433fs, E471fs, E520fs.
Identifiers: ClinVar variation 4817739 (VCV004817739.1).

ClinVar aggregate classification (germline): Likely pathogenic (1 of 4 stars; one submission).

Conditions:
Gaucher disease. Also called: Acute cerebral Gaucher disease; Cerebroside lipidosis syndrome; Gaucher splenomegaly; Sphingolipidosis 1; Glucocerebrosidosis; Glucosylceramidase deficiency. Identifiers: Orphanet 355, MedGen C0017205, MONDO:0018150.

Submission:

Natera, Inc.
Classification: Likely pathogenic for Gaucher disease. Last evaluated: 2024-05-09. Review status: criteria provided, single submitter. Criteria: Natera Variant Classification Schema (03/2026). Collection method: clinical testing. Allele origin: germline.
Comment: The c.1559_1560delAGinsCTC variant in GBA1 is a frameshift variant predicted to elongate the protein beyond the termination codon. This variant is expected to result in nonsense mediated decay, truncation, or a dysfunctional protein product. This variant is rare in the general population with a frequency below the threshold expected for the associated phenotype(s). Given the available evidence, this variant is classified as Likely Pathogenic.